The following is an entry in ClinVar:

NM_000090.4(COL3A1):c.1775A>G (p.Lys592Arg)

Gene: COL3A1 (collagen type III alpha 1 chain; plus strand). Cytogenetic location: 2q32.2.
Variant type: single nucleotide variant.
Coding change: c.1775A>G on transcript NM_000090.4 (MANE Select); coding-DNA position 1775, A replaced by G.
Protein change: p.Lys592Arg; replaces lysine 592 with arginine.
Molecular consequence: missense variant.
Genome position (GRCh38, 1-based): chr2:188,997,178, A>G. VCF-style: chr2-188997178-A-G. GRCh37 (hg19) VCF-style: chr2-189861904-A-G.
Other names: short protein forms K592R.
Identifiers: ClinVar variation 4756609 (VCV004756609.1).
Genomic context (GRCh38, chr2:188,997,178, plus strand): 5'-GTTATTGCCCTTTGAGGATTAGTAAATACCGACCACTTCTTCTTTAGGGTGCTCCTGGTA[A>G]GAATGGAGAACGAGGTGGCCCTGGAGGACCTGGCCCTCAGGTACGTAGCTTTCCTCAATT-3'
Protein context (NP_000081.2, residues 582-602): GPKGNDGAPG[Lys592Arg]NGERGGPGGP

ClinVar aggregate classification (germline): Uncertain significance (1 of 4 stars; one submission).

Conditions:
Familial thoracic aortic aneurysm and aortic dissection (TAAD). Also called: Thoracic aortic aneurysms and dissections. Identifiers: Orphanet 91387, MedGen C4707243, MONDO:0019625.

gnomAD v4.1: 1 of 1,614,034 alleles (0.000062%); highest among the groups gnomAD compares: Non-Finnish European, 0.000085%; no homozygotes.

Submission:

Color Diagnostics, LLC DBA Color Health
Classification: Uncertain significance for Familial thoracic aortic aneurysm and aortic dissection. Last evaluated: 2025-04-06. Review status: criteria provided, single submitter. Criteria: ACMG Guidelines, 2015. Collection method: clinical testing. Allele origin: germline.
Comment: This missense variant replaces lysine with arginine at codon 592 of the COL3A1 protein. Computational prediction is inconclusive regarding the impact of this variant on protein structure and function. To our knowledge, functional studies have not been reported for this variant. This variant has not been reported in individuals affected with COL3A1-related disorders in the literature. This variant has not been identified in the general population by the Genome Aggregation Database (gnomAD). The available evidence is insufficient to determine the role of this variant in disease conclusively. Therefore, this variant is classified as a Variant of Uncertain Significance.